The following is an entry in ClinVar:

ClinVar aggregate classification (germline): Uncertain significance. Review status: criteria provided, multiple submitters, no conflicts (2 of 4 stars). 4 submissions from 4 submitters: Uncertain significance (3). 1 of the submissions does not count toward it. Last evaluated 2025-04-25.

Allele frequency attached by ClinVar (database versions not stated): ExAC 0.00001; TOPMed 0.00001; gnomAD 0.00004 and 0.00003; gnomAD exomes 0.00001.
gnomAD v4.1: 17 of 1,614,082 alleles (0.0011%); highest among the groups gnomAD compares: Middle Eastern, 0.016%; no homozygotes.

Submissions (4):

Mayo Clinic Laboratories, Mayo Clinic
Classification: Uncertain significance. Last evaluated: 2025-04-25. Review status: criteria provided, single submitter. Criteria: ACMG Guidelines, 2015. Collection method: clinical testing. Allele origin: germline. Observed: 1 variant allele.
Comment: BS3_supporting, PS3_supporting

GeneDx
Classification: Uncertain significance. Last evaluated: 2023-01-26. Review status: criteria provided, single submitter. Criteria: GeneDx Variant Classification Process June 2021. Collection method: clinical testing. Allele origin: germline. Affected: yes.
Comment: Published functional studies demonstrate a damaging effect (Eikenboom J et al., 2009); In silico analysis supports that this missense variant does not alter protein structure/function; Identified in the heterozygous state in an individual with von Willebrand disease, type 1 (Goodeve A et al., 2007); This variant is associated with the following publications: (PMID: 16985174, 19566550)

Quest Diagnostics Nichols Institute San Juan Capistrano
Classification: Uncertain significance. Last evaluated: 2021-06-02. Review status: criteria provided, single submitter. Criteria: Quest Diagnostics criteria. Collection method: clinical testing. Allele origin: unknown.

Academic Unit of Haematology, University of Sheffield
No classification provided. Review status: no classification provided. Collection method: not provided. Allele origin: not provided. Not counted in ClinVar's aggregate classification.

Literature cited by the submitters: PubMed 16985174 (cited by Mayo Clinic Laboratories, Mayo Clinic and Quest Diagnostics Nichols Institute San Juan Capistrano); PubMed 19566550 (cited by Mayo Clinic Laboratories, Mayo Clinic and Quest Diagnostics Nichols Institute San Juan Capistrano); PubMed 31035301 (cited by Mayo Clinic Laboratories, Mayo Clinic); PubMed 19506352 (cited by Quest Diagnostics Nichols Institute San Juan Capistrano); PubMed 27443694 (cited by Quest Diagnostics Nichols Institute San Juan Capistrano); PubMed 19506353 (cited by Quest Diagnostics Nichols Institute San Juan Capistrano); PubMed 23809124 (cited by Quest Diagnostics Nichols Institute San Juan Capistrano).

NM_000552.5(VWF):c.7552G>A (p.Gly2518Ser)

Gene: VWF (von Willebrand factor; minus strand). Cytogenetic location: 12p13.31.
Variant type: single nucleotide variant.
Coding change: c.7552G>A on transcript NM_000552.5 (MANE Select); coding-DNA position 7552, G replaced by A.
Protein change: p.Gly2518Ser; replaces glycine 2518 with serine.
Molecular consequence: missense variant.
Genome position (GRCh38, 1-based): chr12:5,969,388, C>T on the plus strand (G>A on the coding strand, the complement: VWF is on the minus strand). VCF-style: chr12-5969388-C-T. GRCh37 (hg19) VCF-style: chr12-6078554-C-T.
Other names: p.Gly2518Ser; c.7552G>A (NM_000552.3); short protein forms G2518S.
Identifiers: ClinVar variation 100476 (VCV000100476.4), dbSNP rs61751293, ClinGen allele CA228802.
Genomic context (GRCh38, chr12:5,969,388, plus strand): 5'-CCTTCACTCGGACACACTCATTGATGAGGCAGGGGTTCTCCGGGGAGGCCCACTGGGAGC[C>T]GACCTGCAGGGCACCAGAGTTAGTCCAACAAGCTGGGGCAGGGCTGGAGCCCAGGGTCCC-3'
Protein context (NP_000543.3, residues 2508-2528): GDSQSSWKSV[Gly2518Ser]SQWASPENPC